The following is an entry in ClinVar:

NM_005359.6(SMAD4):c.1005A>G (p.Val335=)

Gene: SMAD4 (SMAD family member 4; plus strand). Cytogenetic location: 18q21.2.
Variant type: single nucleotide variant.
Coding change: c.1005A>G on transcript NM_005359.6 (MANE Select); coding-DNA position 1005, A replaced by G.
Protein change: p.Val335=; no amino-acid change (valine 335 retained).
Molecular consequence: synonymous variant.
Genome position (GRCh38, 1-based): chr18:51,065,472, A>G. VCF-style: chr18-51065472-A-G. GRCh37 (hg19) VCF-style: chr18-48591842-A-G.
Identifiers: ClinVar variation 240140 (VCV000240140.47), dbSNP rs878854762, ClinGen allele CA10583705.

ClinVar aggregate classification (germline): Benign/Likely benign. Review status: criteria provided, multiple submitters, no conflicts (2 of 4 stars). 8 submissions from 8 submitters: Benign (1); Likely benign (7). Last evaluated 2025-12-28.

Conditions:
Juvenile polyposis syndrome (JPS). Identifiers: Orphanet 2929, MedGen C0345893, MONDO:0017380, OMIM 174900.
Hereditary cancer-predisposing syndrome. Also called: Tumor predisposition; Hereditary Cancer Syndrome; Neoplastic Syndromes, Hereditary; Hereditary neoplastic syndrome. Identifiers: Orphanet 140162, MedGen C0027672, MeSH D009386, MONDO:0015356.
Familial thoracic aortic aneurysm and aortic dissection (TAAD). Also called: Thoracic aortic aneurysms and dissections. Identifiers: Orphanet 91387, MedGen C4707243, MONDO:0019625.
Juvenile polyposis/hereditary hemorrhagic telangiectasia syndrome (JPHT). Also called: JP/HHT SYNDROME; JUVENILE POLYPOSIS WITH HEREDITARY HEMORRHAGIC TELANGIECTASIA; POLYPOSIS, GENERALIZED JUVENILE, WITH PULMONARY ARTERIOVENOUS MALFORMATION; TELANGIECTASIA, HEREDITARY HEMORRHAGIC, WITH JUVENILE POLYPOSIS COLI; Juvenile Polyposis Syndrome / Hereditary Hemorrhagic Telangiectasia (JPS/HHT). Identifiers: Orphanet 2929, MedGen C1832942, MONDO:0008278, OMIM 175050.

Allele frequency attached by ClinVar (database versions not stated): gnomAD exomes below 0.00001; TOPMed below 0.00001; gnomAD 0.00001.
gnomAD v4.1: 6 of 1,613,932 alleles (0.00037%); highest among the groups gnomAD compares: Non-Finnish European, 0.00042%; no homozygotes.

Submissions (8):

Labcorp Genetics (formerly Invitae), Labcorp
Classification: Likely benign for Juvenile polyposis syndrome. Last evaluated: 2025-12-28. Review status: criteria provided, single submitter. Criteria: Invitae Variant Classification Sherloc (09022015). Collection method: clinical testing. Allele origin: germline.

Myriad Genetics, Inc.
Classification: Benign for Juvenile polyposis/hereditary hemorrhagic telangiectasia syndrome. Last evaluated: 2025-03-20. Review status: criteria provided, single submitter. Criteria: Myriad Autosomal Dominant, Autosomal Recessive and X-Linked Classification Criteria (2023). Collection method: clinical testing. Allele origin: unknown.
Comment: This variant is considered benign. This variant is a silent/synonymous amino acid change and it is not expected to impact splicing.

All of Us Research Program, National Institutes of Health
Classification: Likely benign for Juvenile polyposis/hereditary hemorrhagic telangiectasia syndrome. Last evaluated: 2023-12-01. Review status: criteria provided, single submitter. Criteria: ACMG Guidelines, 2015. Collection method: clinical testing. Allele origin: germline. Inheritance: Autosomal dominant inheritance. Observed: 1 variant allele, 1 heterozygote.
Comment: This study involves interpretation of variants in research participants for the purpose of population health screening. Participant phenotype was not available at the time of variant classification. Additional details can be found in publication PMID: 35346344, PMCID: PMC8962531

CeGaT Center for Human Genetics Tuebingen
Classification: Likely benign. Last evaluated: 2023-07-01. Review status: criteria provided, single submitter. Criteria: CeGaT Center For Human Genetics Tuebingen Variant Classification Criteria Version 2. Collection method: clinical testing. Allele origin: germline. Affected: yes. Observed: 1 variant allele.
Comment: SMAD4: BP4, BP7

Blueprint Genetics
Classification: Likely benign. Last evaluated: 2023-05-17. Review status: criteria provided, single submitter. Criteria: ACMG Guidelines, 2015. Collection method: clinical testing. Allele origin: germline.

GeneDx
Classification: Likely benign. Last evaluated: 2020-02-13. Review status: criteria provided, single submitter. Criteria: GeneDx Variant Classification Process June 2021. Collection method: clinical testing. Allele origin: germline. Affected: yes.

Color Diagnostics, LLC DBA Color Health
Classification: Likely benign for Hereditary cancer-predisposing syndrome. Last evaluated: 2018-11-27. Review status: criteria provided, single submitter. Criteria: ACMG Guidelines, 2015. Collection method: clinical testing. Allele origin: germline.

Ambry Genetics
Classification: Likely benign for Hereditary cancer-predisposing syndrome; Familial thoracic aortic aneurysm and aortic dissection. Last evaluated: 2017-01-04. Review status: criteria provided, single submitter. Criteria: Ambry Variant Classification Scheme 2023. Collection method: clinical testing. Allele origin: germline.